The following is an entry in ClinVar:

ClinVar aggregate classification (germline): Uncertain significance (1 of 4 stars; one submission).

Submission:

GeneDx
Classification: Uncertain significance. Last evaluated: 2024-05-03. Review status: criteria provided, single submitter. Criteria: GeneDx Variant Classification Process June 2021. Collection method: clinical testing. Allele origin: germline. Affected: yes.
Comment: Not observed at significant frequency in large population cohorts (gnomAD); In silico analysis indicates that this missense variant does not alter protein structure/function; Has not been previously published as pathogenic or benign to our knowledge; This variant is associated with the following publications: (PMID: 21520338, 31554319, 9590290)

NM_005422.4(TECTA):c.3544G>A (p.Val1182Ile)

Genes: TBCEL-TECTA (TBCEL-TECTA readthrough; plus strand), TECTA (tectorin alpha; plus strand). Cytogenetic location: 11q23.3.
Variant type: single nucleotide variant.
Coding change: c.3544G>A on transcript NM_005422.4 (MANE Select); coding-DNA position 3544, G replaced by A.
Protein change: p.Val1182Ile; replaces valine 1182 with isoleucine.
Molecular consequence: missense variant.
Genome position (GRCh38, 1-based): chr11:121,145,555, G>A. VCF-style: chr11-121145555-G-A. GRCh37 (hg19) VCF-style: chr11-121016264-G-A.
Other names: c.4501G>A, p.Val1501Ile (NM_001378761.1); short protein forms V1182I, V1501I.
Identifiers: ClinVar variation 3376051 (VCV003376051.1).